The following is an entry in ClinVar:

ClinVar aggregate classification (germline): Likely pathogenic (1 of 4 stars; one submission).

gnomAD v4.1: 1 of 1,598,282 alleles (0.000063%); highest among the groups gnomAD compares: Non-Finnish European, 0.000085%; no homozygotes.

Submission:

Dasa
Classification: Likely pathogenic. Last evaluated: 2025-01-06. Review status: criteria provided, single submitter. Criteria: DASA Assertion Criteria. Collection method: clinical testing. Allele origin: germline.
Comment: NM_198994.3(TGM6):c.1678+1G>T affects a canonical splice site and is predicted to disrupt normal RNA splicing. Loss of function is an established disease mechanism for TGM6-associated disorders. Also, this variant is rare in population databases. Based on the currently available evidence, this variant is classified as likely pathogenic.

NM_198994.3(TGM6):c.1678+1G>T

Gene: TGM6 (transglutaminase 6; plus strand). Cytogenetic location: 20p13.
Variant type: single nucleotide variant.
Coding change: c.1678+1G>T on transcript NM_198994.3 (MANE Select); the canonical splice donor site of the intron after coding-DNA position 1678, G replaced by T.
Molecular consequence: splice donor variant.
Genome position (GRCh38, 1-based): chr20:2,417,574, G>T. VCF-style: chr20-2417574-G-T. GRCh37 (hg19) VCF-style: chr20-2398220-G-T.
Other names: c.1678+1G>T (NM_001254734.2).
Identifiers: ClinVar variation 4886419 (VCV004886419.2).